The following is an entry in ClinVar:

NM_182961.4(SYNE1):c.19114G>A (p.Ala6372Thr)

Gene: SYNE1 (spectrin repeat containing nuclear envelope protein 1; minus strand). Cytogenetic location: 6q25.2.
Variant type: single nucleotide variant.
Coding change: c.19114G>A on transcript NM_182961.4 (MANE Select); coding-DNA position 19114, G replaced by A.
Protein change: p.Ala6372Thr; replaces alanine 6372 with threonine.
Molecular consequence: missense variant.
Genome position (GRCh38, 1-based): chr6:152,255,737, C>T on the plus strand (G>A on the coding strand, the complement: SYNE1 is on the minus strand). VCF-style: chr6-152255737-C-T. GRCh37 (hg19) VCF-style: chr6-152576872-C-T.
Other names: c.18901G>A, p.Ala6301Thr (NM_033071.5); short protein forms A6301T, A6372T.
Identifiers: ClinVar variation 497931 (VCV000497931.14), dbSNP rs769911507, ClinGen allele CA4054760.

ClinVar aggregate classification (germline): Uncertain significance. Review status: criteria provided, multiple submitters, no conflicts (2 of 4 stars). 3 submissions from 3 submitters: Uncertain significance (3). Last evaluated 2024-10-21.

Conditions:
Autosomal recessive ataxia, Beauce type. Also called: Spinocerebellar ataxia, autosomal recessive 8; ATAXIA, RECESSIVE, OF BEAUCE; SYNE1-Related Autosomal Recessive Cerebellar Ataxia; SYNE1 Deficiency. Identifiers: Orphanet 88644, MedGen C1853116, MONDO:0012549, OMIM 610743.
Emery-Dreifuss muscular dystrophy 4, autosomal dominant (EDMD4). Also called: EMERY-DREIFUSS MUSCULAR DYSTROPHY 4 WITH VARIABLE FEATURES. Identifiers: Orphanet 261, MedGen C2751807, MONDO:0013071, OMIM 612998.

Allele frequency attached by ClinVar (database versions not stated): TOPMed 0.00001.
gnomAD v4.1: 13 of 1,614,182 alleles (0.00081%); highest among the groups gnomAD compares: Middle Eastern, 0.15%; no homozygotes.

Submissions (3):

Blueprint Genetics
Classification: Uncertain significance. Last evaluated: 2024-10-21. Review status: criteria provided, single submitter. Criteria: ACMG Guidelines, 2015. Collection method: clinical testing. Allele origin: germline.

Labcorp Genetics (formerly Invitae), Labcorp
Classification: Uncertain significance for Emery-Dreifuss muscular dystrophy 4, autosomal dominant; Autosomal recessive ataxia, Beauce type. Last evaluated: 2024-07-16. Review status: criteria provided, single submitter. Criteria: Invitae Variant Classification Sherloc (09022015). Collection method: clinical testing. Allele origin: germline.
Comment: This sequence change replaces alanine, which is neutral and non-polar, with threonine, which is neutral and polar, at codon 6301 of the SYNE1 protein (p.Ala6301Thr). This variant is present in population databases (rs769911507, gnomAD 0.0009%). This variant has not been reported in the literature in individuals affected with SYNE1-related conditions. ClinVar contains an entry for this variant (Variation ID: 497931). An algorithm developed to predict the effect of missense changes on protein structure and function outputs the following: PolyPhen-2: "Benign". The threonine amino acid residue is found in multiple mammalian species, which suggests that this missense change does not adversely affect protein function. In summary, the available evidence is currently insufficient to determine the role of this variant in disease. Therefore, it has been classified as a Variant of Uncertain Significance.

Eurofins Ntd Llc (ga)
Classification: Uncertain significance. Last evaluated: 2016-11-02. Review status: criteria provided, single submitter. Criteria: EGL Classification Definitions 2015. Collection method: clinical testing. Allele origin: germline. Observed: 1 variant allele, 1 heterozygote.